The following is an entry in ClinVar:

ClinVar aggregate classification (germline): Uncertain significance (1 of 4 stars; one submission).

Conditions:
Inborn genetic diseases. Identifiers: MedGen C0950123, MeSH D030342.

gnomAD v4.1: 3 of 1,612,640 alleles (0.00019%); highest among the groups gnomAD compares: South Asian, 0.0033%; no homozygotes.

Submission:

Ambry Genetics
Classification: Uncertain significance for Inborn genetic diseases. Last evaluated: 2024-11-16. Review status: criteria provided, single submitter. Criteria: Ambry Variant Classification Scheme 2023. Collection method: clinical testing. Allele origin: germline.
Comment: The p.M227V variant (also known as c.679A>G), located in coding exon 7 of the AKT1 gene, results from an A to G substitution at nucleotide position 679. The methionine at codon 227 is replaced by valine, an amino acid with highly similar properties. This amino acid position is conserved. In addition, the in silico prediction for this alteration is inconclusive. Based on the available evidence, the clinical significance of this variant remains unclear.

NM_001382430.1(AKT1):c.679A>G (p.Met227Val)

Gene: AKT1 (AKT serine/threonine kinase 1; minus strand). Cytogenetic location: 14q32.33.
Variant type: single nucleotide variant.
Coding change: c.679A>G on transcript NM_001382430.1 (MANE Select); coding-DNA position 679, A replaced by G.
Protein change: p.Met227Val; replaces methionine 227 with valine.
Molecular consequence: missense variant.
Genome position (GRCh38, 1-based): chr14:104,773,935, T>C on the plus strand (A>G on the coding strand, the complement: AKT1 is on the minus strand). VCF-style: chr14-104773935-T-C. GRCh37 (hg19) VCF-style: chr14-105240272-T-C.
Other names: c.679A>G, p.Met227Val (NM_001014431.2, NM_001014432.2, NM_001382431.1 and 3 more transcripts); short protein forms M227V.
Identifiers: ClinVar variation 3519144 (VCV003519144.1).
Genomic context (GRCh38, chr14:104,773,935, plus strand): 5'-GGCCGCGAAGTCCATCCCCCGCAGCCCCAGCCCCTACCTCGCCCCCGTTGGCGTACTCCA[T>C]GACAAAGCAGAGGCGGTCGTGGGTCTGGAAAGAGTACTTCAGGGCCTGCAAGGAAGGGGA-3'
Protein context (NP_001369359.1, residues 217-237): FQTHDRLCFV[Met227Val]EYANGGELFF